The following is an entry in ClinVar:

ClinVar aggregate classification (germline): Uncertain significance (1 of 4 stars; one submission).

Submission:

Labcorp Genetics (formerly Invitae), Labcorp
Classification: Uncertain significance. Last evaluated: 2022-04-15. Review status: criteria provided, single submitter. Criteria: Invitae Variant Classification Sherloc (09022015). Collection method: clinical testing. Allele origin: germline.
Comment: In summary, the available evidence is currently insufficient to determine the role of this variant in disease. Therefore, it has been classified as a Variant of Uncertain Significance. Algorithms developed to predict the effect of missense changes on protein structure and function are either unavailable or do not agree on the potential impact of this missense change (SIFT: "Deleterious"; PolyPhen-2: "Possibly Damaging"; Align-GVGD: "Class C15"). This variant has not been reported in the literature in individuals affected with KLF10-related conditions. This variant is not present in population databases (gnomAD no frequency). This sequence change replaces glycine, which is neutral and non-polar, with tryptophan, which is neutral and slightly polar, at codon 265 of the KLF10 protein (p.Gly265Trp).

NM_005655.4(KLF10):c.793G>T (p.Gly265Trp)

Gene: KLF10 (KLF transcription factor 10; minus strand). Cytogenetic location: 8q22.3.
Variant type: single nucleotide variant.
Coding change: c.793G>T on transcript NM_005655.4 (MANE Select); coding-DNA position 793, G replaced by T.
Protein change: p.Gly265Trp; replaces glycine 265 with tryptophan.
Molecular consequence: missense variant.
Genome position (GRCh38, 1-based): chr8:102,651,539, C>A on the plus strand (G>T on the coding strand, the complement: KLF10 is on the minus strand). VCF-style: chr8-102651539-C-A. GRCh37 (hg19) VCF-style: chr8-103663767-C-A.
Other names: c.760G>T, p.Gly254Trp (NM_001032282.4); short protein forms G254W, G265W.
Identifiers: ClinVar variation 2126155 (VCV002126155.4), dbSNP rs2537070745, ClinGen allele CA371627086.